The following is an entry in ClinVar:

ClinVar aggregate classification (germline): Uncertain significance (1 of 4 stars; one submission).

gnomAD v4.1: 4 of 1,535,668 alleles (0.00026%); highest among the groups gnomAD compares: South Asian, 0.0036%; no homozygotes.

Submission:

Labcorp Genetics (formerly Invitae), Labcorp
Classification: Uncertain significance. Last evaluated: 2024-11-18. Review status: criteria provided, single submitter. Criteria: Invitae Variant Classification Sherloc (09022015). Collection method: clinical testing. Allele origin: germline.
Comment: This sequence change replaces glycine, which is neutral and non-polar, with arginine, which is basic and polar, at codon 81 of the CARD8 protein (p.Gly81Arg). This variant also falls at the last nucleotide of exon 5, which is part of the consensus splice site for this exon. This variant is not present in population databases (gnomAD no frequency). This variant has not been reported in the literature in individuals affected with CARD8-related conditions. An algorithm developed to predict the effect of missense changes on protein structure and function (PolyPhen-2) suggests that this variant is likely to be disruptive. Variants that disrupt the consensus splice site are a relatively common cause of aberrant splicing (PMID: 17576681, 9536098). Algorithms developed to predict the effect of sequence changes on RNA splicing suggest that this variant may disrupt the consensus splice site. In summary, the available evidence is currently insufficient to determine the role of this variant in disease. Therefore, it has been classified as a Variant of Uncertain Significance.

Literature cited by the submitters: PubMed 17576681; PubMed 9536098.

NM_001184900.3(CARD8):c.391G>A (p.Gly131Arg)

Gene: CARD8 (caspase recruitment domain family member 8; minus strand). Cytogenetic location: 19q13.33.
Variant type: single nucleotide variant.
Coding change: c.391G>A on transcript NM_001184900.3 (MANE Select); coding-DNA position 391, G replaced by A.
Protein change: p.Gly131Arg; replaces glycine 131 with arginine.
Molecular consequence: missense variant. On other transcripts: intron variant (6).
Genome position (GRCh38, 1-based): chr19:48,232,453, C>T on the plus strand (G>A on the coding strand, the complement: CARD8 is on the minus strand). VCF-style: chr19-48232453-C-T. GRCh37 (hg19) VCF-style: chr19-48735710-C-T.
Other names: c.241G>A, p.Gly81Arg (NM_001184901.1, NM_001351783.2, NM_001351788.2 and 2 more transcripts); c.391G>A, p.Gly131Arg (NM_001184902.2, NM_001184903.1, NM_001351782.2); c.55G>A, p.Gly19Arg (NM_001351786.2); c.77-643G>A (NM_001351787.2, NM_001351791.2, NM_001351792.2 and 2 more transcripts); c.149-643G>A (NM_001351790.2); short protein forms G131R, G19R, G81R.
Identifiers: ClinVar variation 3725478 (VCV003725478.2).